The following is an entry in ClinVar:

NM_172107.4(KCNQ2):c.1887+2del

Gene: KCNQ2 (potassium voltage-gated channel subfamily Q member 2; minus strand). Cytogenetic location: 20q13.33.
Variant type: Deletion.
Coding change: c.1887+2del on transcript NM_172107.4 (MANE Select); the canonical splice donor site of the intron after coding-DNA position 1887, one base deleted (T; older notation c.1887+2delT).
Molecular consequence: splice donor variant.
Genome position (GRCh38, 1-based): chr20:63,408,411, A deleted on the plus strand (T on the coding strand, the reverse complement: KCNQ2 is on the minus strand). VCF-style (leftmost placement, unchanged base first): chr20-63408410-CA-C. GRCh37 (hg19) VCF-style: chr20-62039763-CA-C.
Other names: c.1803+2del (NM_004518.6); c.1794+2del (NM_172108.5); c.1833+2del (NM_172106.3); c.1941+2del (NM_001382235.1).
Identifiers: ClinVar variation 2095061 (VCV002095061.4), dbSNP rs2516117056, ClinGen allele CA2580098436.

ClinVar aggregate classification (germline): Likely pathogenic (1 of 4 stars; one submission).

Conditions:
Early-infantile DEE. Also called: Early infantile epileptic encephalopathy; Early infantile epileptic encephalopathy with suppression bursts; Ohtahara syndrome. Identifiers: Orphanet 1934, MedGen C0393706, MONDO:0800491.

Submission:

Labcorp Genetics (formerly Invitae), Labcorp
Classification: Likely pathogenic for Early-infantile DEE. Last evaluated: 2022-02-08. Review status: criteria provided, single submitter. Criteria: Invitae Variant Classification Sherloc (09022015). Collection method: clinical testing. Allele origin: germline.
Comment: This sequence change affects a splice site in intron 16 of the KCNQ2 gene. It is expected to disrupt RNA splicing. Variants that disrupt the donor or acceptor splice site typically lead to a loss of protein function (PMID: 16199547), and loss-of-function variants in KCNQ2 are known to be pathogenic (PMID: 14534157, 23692823, 27779742). This variant is not present in population databases (gnomAD no frequency). This variant has not been reported in the literature in individuals affected with KCNQ2-related conditions. Algorithms developed to predict the effect of sequence changes on RNA splicing suggest that this variant may disrupt the consensus splice site. In summary, the currently available evidence indicates that the variant is pathogenic, but additional data are needed to prove that conclusively. Therefore, this variant has been classified as Likely Pathogenic.

Literature cited by the submitters: PubMed 16199547; PubMed 14534157; PubMed 23692823; PubMed 27779742.